The following is an entry in ClinVar:

NM_001386140.1(MTTP):c.755C>A (p.Ser252Ter)

Gene: MTTP (microsomal triglyceride transfer protein; plus strand). Cytogenetic location: 4q23.
Variant type: single nucleotide variant.
Coding change: c.755C>A on transcript NM_001386140.1 (MANE Select); coding-DNA position 755, C replaced by A.
Protein change: p.Ser252Ter; replaces serine 252 with a stop codon.
Molecular consequence: nonsense.
Genome position (GRCh38, 1-based): chr4:99,591,787, C>A. VCF-style: chr4-99591787-C-A. GRCh37 (hg19) VCF-style: chr4-100512944-C-A.
Other names: c.755C>A, p.Ser252Ter (NM_000253.4); c.506C>A, p.Ser169Ter (NM_001300785.2); short protein forms S169*, S252*.
Identifiers: ClinVar variation 4813308 (VCV004813308.1).
Genomic context (GRCh38, chr4:99,591,787, plus strand): 5'-CTGAAGAAACACACAATTTTGGACTGAATTTCCTACAAACCATTAAGGGGAAAATAGTAT[C>A]GAAGTAAGATAATGCTAAAATTTTTATTTTCTTTGCTATTCTTTGTTATATTATTATACT-3'

ClinVar aggregate classification (germline): Likely pathogenic (1 of 4 stars; one submission).

Conditions:
Abetalipoproteinaemia (ABL). Also called: MTP DEFICIENCY; Abetalipoproteinemia; Abetalipoproteinemia neuropathy; Apolipoprotein B deficiency; Congenital betalipoprotein deficiency syndrome. Identifiers: Orphanet 14, MedGen C0000744, MONDO:0008692, OMIM 200100, HP:0008181.

Submission:

Center for Precision Genome Editing and Genetic Technologies for Biomedicine, Pirogov Russian National Research Medical University
Classification: Likely pathogenic for Abetalipoproteinaemia. Last evaluated: 2025-07-01. Review status: criteria provided, single submitter. Criteria: ACMG Guidelines, 2015. Collection method: clinical testing. Allele origin: unknown. Inheritance: Autosomal recessive inheritance. Affected: yes. Observed: 1 variant allele, 1 homozygote.
Comment: MTTP(NM_001386140.1):c.755C>A (p.Ser252Ter) is a nonsense variant that leads to the formation of a premature stop codon, resulting in a reduction in the amount of protein product - PVS1. This variant has not been detected in control samples nor in patients with abetalipoproteinemia, PM2 criterion. Based on the applied ACMG/AMP criteria (PM2, PVS1), this variant is classified as Likely Pathogenic.

Literature cited by the submitters: DOI 10.1002/humu.23626.